The following is an entry in ClinVar:

NM_001113378.2(FANCI):c.3103C>T (p.Leu1035=)

Gene: FANCI (FA complementation group I; plus strand). Cytogenetic location: 15q26.1.
Variant type: single nucleotide variant.
Coding change: c.3103C>T on transcript NM_001113378.2 (MANE Select); coding-DNA position 3103, C replaced by T.
Protein change: p.Leu1035=; no amino-acid change (leucine 1035 retained).
Molecular consequence: synonymous variant.
Genome position (GRCh38, 1-based): chr15:89,305,159, C>T. VCF-style: chr15-89305159-C-T. GRCh37 (hg19) VCF-style: chr15-89848390-C-T.
Other names: c.2824C>T, p.Leu942= (NM_001376910.1); c.3103C>T, p.Leu1035= (NM_001376911.1); c.2923C>T, p.Leu975= (NM_018193.3).
Identifiers: ClinVar variation 317290 (VCV000317290.28), dbSNP rs34462132, ClinGen allele CA7723593.
Genomic context (GRCh38, chr15:89,305,159, plus strand): 5'-TTCTTCCTATTCCTAGAGGATGCCTTGTTTTGCAAGAGCTTGATGAACTTGCTCTTCAGC[C>T]TGCATGTTTCGTATAAGAGTCCTGTCATTCTGCTGCGTGACTTGTCCCAGGATATCCACG-3'
Protein context (NP_001106849.1, residues 1025-1045): CKSLMNLLFS[Leu1035=]HVSYKSPVIL

ClinVar aggregate classification (germline): Conflicting classifications of pathogenicity. Review status: criteria provided, conflicting classifications (1 of 4 stars). 5 submissions from 5 submitters: Uncertain significance (1); Benign (1); Likely benign (3). Last evaluated 2026-08-01.

Conditions:
Fanconi anemia (FA). Also called: Fanconi's anemia. Identifiers: Orphanet 84, MedGen C0015625, MeSH D005199, MONDO:0019391.
Fanconi anemia complementation group I (FANCI). Also called: FANCI-Related Fanconi Anemia. Identifiers: Orphanet 84, MedGen C1836861, MONDO:0012186, OMIM 609053.

Allele frequency attached by ClinVar (database versions not stated): gnomAD exomes 0.00038 and 0.00099; ExAC 0.00111; 1000 Genomes Project 0.00220; 1000 Genomes Project 30x 0.00265; gnomAD 0.00414 and 0.00456; TOPMed 0.00497; ESP Exome Variant Server 0.00577.
gnomAD v4.1: 1,217 of 1,614,158 alleles (0.075%); highest among the groups gnomAD compares: African/African-American, 1.4%; 5 homozygotes.

Submissions (5):

CeGaT Center for Human Genetics Tuebingen
Classification: Likely benign. Last evaluated: 2026-08-01. Review status: criteria provided, single submitter. Criteria: CeGaT Center For Human Genetics Tuebingen Variant Classification Criteria Version 2. Collection method: clinical testing. Allele origin: germline. Affected: yes. Observed: 2 variant alleles.
Comment: FANCI: BP4, BS1

Labcorp Genetics (formerly Invitae), Labcorp
Classification: Benign for Fanconi anemia. Last evaluated: 2026-01-28. Review status: criteria provided, single submitter. Criteria: Invitae Variant Classification Sherloc (09022015). Collection method: clinical testing. Allele origin: germline.

Blueprint Genetics
Classification: Likely benign. Last evaluated: 2024-11-11. Review status: criteria provided, single submitter. Criteria: ACMG Guidelines, 2015. Collection method: clinical testing. Allele origin: germline.

Institute for Clinical Genetics, University Hospital TU Dresden, University Hospital TU Dresden
Classification: Uncertain significance. Last evaluated: 2021-11-03. Review status: criteria provided, single submitter. Criteria: ACMG Guidelines, 2015. Collection method: clinical testing. Allele origin: germline.

Illumina Laboratory Services, Illumina
Classification: Likely benign for Fanconi anemia complementation group I. Last evaluated: 2018-01-12. Review status: criteria provided, single submitter. Criteria: ICSL Variant Classification Criteria 13 December 2019. Collection method: clinical testing. Allele origin: germline.
Comment: This variant was observed in the ICSL laboratory as part of a predisposition screen in an ostensibly healthy population. It had not been previously curated by ICSL or reported in the Human Gene Mutation Database (HGMD: prior to June 1st, 2018), and was therefore a candidate for classification through an automated scoring system. Utilizing variant allele frequency, disease prevalence and penetrance estimates, and inheritance mode, an automated score was calculated to assess if this variant is too frequent to cause the disease. Based on the score and internal cut-off values, a variant classified as likely benign is not then subjected to further curation. The score for this variant resulted in a classification of likely benign for this disease.